The following is an entry in ClinVar:

ClinVar aggregate classification (germline): Uncertain significance (1 of 4 stars; one submission).

Conditions:
Combined immunodeficiency due to DOCK8 deficiency (HIES2). Also called: HYPER-IgE SYNDROME 2, AUTOSOMAL RECESSIVE, WITH RECURRENT INFECTIONS; HIES autosomal recessive; DOCK8 Deficiency; Hyper-IgE recurrent infection syndrome, autosomal recessive; HYPER-IgE RECURRENT INFECTION SYNDROME 2, AUTOSOMAL RECESSIVE. Identifiers: Orphanet 217390, MedGen C4722305, MONDO:0009478, OMIM 243700.

Allele frequency attached by ClinVar (database versions not stated): TOPMed below 0.00001; gnomAD 0.00001; gnomAD exomes 0.00001.
gnomAD v4.1: 5 of 1,613,724 alleles (0.00031%); highest among the groups gnomAD compares: African/African-American, 0.0027%; no homozygotes.

Submission:

Labcorp Genetics (formerly Invitae), Labcorp
Classification: Uncertain significance for Combined immunodeficiency due to DOCK8 deficiency. Last evaluated: 2021-06-20. Review status: criteria provided, single submitter. Criteria: Invitae Variant Classification Sherloc (09022015). Collection method: clinical testing. Allele origin: germline.
Comment: In summary, the available evidence is currently insufficient to determine the role of this variant in disease. Therefore, it has been classified as a Variant of Uncertain Significance. Algorithms developed to predict the effect of missense changes on protein structure and function are either unavailable or do not agree on the potential impact of this missense change (SIFT: "Deleterious"; PolyPhen-2: "Benign"; Align-GVGD: "Class C0"). This variant has not been reported in the literature in individuals with DOCK8-related conditions. This variant is not present in population databases (ExAC no frequency). This sequence change replaces alanine with valine at codon 1670 of the DOCK8 protein (p.Ala1670Val). The alanine residue is highly conserved and there is a small physicochemical difference between alanine and valine.

NM_203447.4(DOCK8):c.5009C>T (p.Ala1670Val)

Gene: DOCK8 (dedicator of cytokinesis 8; plus strand). Cytogenetic location: 9p24.3.
Variant type: single nucleotide variant.
Coding change: c.5009C>T on transcript NM_203447.4 (MANE Select); coding-DNA position 5009, C replaced by T.
Protein change: p.Ala1670Val; replaces alanine 1670 with valine.
Molecular consequence: missense variant.
Genome position (GRCh38, 1-based): chr9:434,905, C>T. VCF-style: chr9-434905-C-T. GRCh37 (hg19) VCF-style: chr9-434905-C-T.
Other names: c.4709C>T, p.Ala1570Val (NM_001190458.2); c.4805C>T, p.Ala1602Val (NM_001193536.2); short protein forms A1570V, A1670V, A1602V.
Identifiers: ClinVar variation 1405000 (VCV001405000.12), dbSNP rs1234828608, ClinGen allele CA372767447.